The following is an entry in ClinVar:

ClinVar aggregate classification (germline): Uncertain significance (1 of 4 stars; one submission).

Allele frequency attached by ClinVar (database versions not stated): gnomAD 0.00001; ExAC 0.00003; gnomAD exomes 0.00003; TOPMed 0.00003.

Submission:

Labcorp Genetics (formerly Invitae), Labcorp
Classification: Uncertain significance. Last evaluated: 2025-07-27. Review status: criteria provided, single submitter. Criteria: Invitae Variant Classification Sherloc (09022015). Collection method: clinical testing. Allele origin: germline.
Comment: This sequence change replaces serine, which is neutral and polar, with leucine, which is neutral and non-polar, at codon 333 of the SIRT1 protein (p.Ser333Leu). This variant is present in population databases (rs200610338, gnomAD 0.007%). This variant has not been reported in the literature in individuals affected with SIRT1-related conditions. ClinVar contains an entry for this variant (Variation ID: 1476066). An algorithm developed to predict the effect of missense changes on protein structure and function (PolyPhen-2) suggests that this variant is likely to be tolerated. In summary, the available evidence is currently insufficient to determine the role of this variant in disease. Therefore, it has been classified as a Variant of Uncertain Significance.

NM_012238.5(SIRT1):c.998C>T (p.Ser333Leu)

Gene: SIRT1 (sirtuin 1; plus strand). Cytogenetic location: 10q21.3.
Variant type: single nucleotide variant.
Coding change: c.998C>T on transcript NM_012238.5 (MANE Select); coding-DNA position 998, C replaced by T.
Protein change: p.Ser333Leu; replaces serine 333 with leucine.
Molecular consequence: missense variant.
Genome position (GRCh38, 1-based): chr10:67,906,845, C>T. VCF-style: chr10-67906845-C-T. GRCh37 (hg19) VCF-style: chr10-69666602-C-T.
Other names: c.113C>T, p.Ser38Leu (NM_001142498.2); c.89C>T, p.Ser30Leu (NM_001314049.2); short protein forms S30L, S333L, S38L.
Identifiers: ClinVar variation 1476066 (VCV001476066.8), dbSNP rs200610338, ClinGen allele CA5521181.
Genomic context (GRCh38, chr10:67,906,845, plus strand): 5'-TACAGGAAATATATCCTGGACAATTCCAGCCATCTCTCTGTCACAAATTCATAGCCTTGT[C>T]AGATAAGGAAGGAAAACTACTTCGCAACTATACCCAGAACATAGACACGCTGGAACAGGT-3'
Protein context (NP_036370.2, residues 323-343): PSLCHKFIAL[Ser333Leu]DKEGKLLRNY